The following is an entry in ClinVar:

ClinVar aggregate classification (germline): Uncertain significance (1 of 4 stars; one submission).

Submission:

GeneDx
Classification: Uncertain significance. Last evaluated: 2025-06-16. Review status: criteria provided, single submitter. Criteria: GeneDx Variant Classification Process June 2021. Collection method: clinical testing. Allele origin: germline. Affected: yes.
Comment: Not observed at significant frequency in large population cohorts (gnomAD); In silico analysis suggests that this missense variant does not alter protein structure/function; Has not been previously published as pathogenic or benign to our knowledge

NM_024665.7(TBL1XR1):c.775G>C (p.Ala259Pro)

Genes: TBL1XR1 (TBL1X/Y related 1; minus strand), TBL1XR1-AS1 (TBL1XR1 antisense RNA 1; plus strand). Cytogenetic location: 3q26.32.
Variant type: single nucleotide variant.
Coding change: c.775G>C on transcript NM_024665.7 (MANE Select); coding-DNA position 775, G replaced by C.
Protein change: p.Ala259Pro; replaces alanine 259 with proline.
Molecular consequence: missense variant.
Genome position (GRCh38, 1-based): chr3:177,047,389, C>G on the plus strand (G>C on the coding strand, the complement: TBL1XR1 is on the minus strand). VCF-style: chr3-177047389-C-G. GRCh37 (hg19) VCF-style: chr3-176765177-C-G.
Other names: c.775G>C, p.Ala259Pro (NM_001321193.3, NM_001321194.3, NM_001374327.1 and 2 more transcripts); c.514G>C, p.Ala172Pro (NM_001321195.3, NM_001374330.1); short protein forms A172P, A259P.
Identifiers: ClinVar variation 4538742 (VCV004538742.1).